The following is an entry in ClinVar:

ClinVar aggregate classification (germline): Uncertain significance (1 of 4 stars; one submission).

Conditions:
Epileptic encephalopathy. Identifiers: MedGen C0543888, HP:0200134.

Allele frequency attached by ClinVar (database versions not stated): gnomAD 0.00001; TOPMed 0.00001.
gnomAD v4.1: 19 of 1,614,018 alleles (0.0012%); highest among the groups gnomAD compares: Admixed American, 0.005%; no homozygotes.

Submission:

Labcorp Genetics (formerly Invitae), Labcorp
Classification: Uncertain significance for Epileptic encephalopathy. Last evaluated: 2020-09-24. Review status: criteria provided, single submitter. Criteria: Invitae Variant Classification Sherloc (09022015). Collection method: clinical testing. Allele origin: germline.
Comment: In summary, the available evidence is currently insufficient to determine the role of this variant in disease. Therefore, it has been classified as a Variant of Uncertain Significance. Algorithms developed to predict the effect of missense changes on protein structure and function output the following: SIFT: "Tolerated"; PolyPhen-2: "Benign"; Align-GVGD: "Class C0". The glutamic acid amino acid residue is found in multiple mammalian species, suggesting that this missense change does not adversely affect protein function. These predictions have not been confirmed by published functional studies and their clinical significance is uncertain. This variant has not been reported in the literature in individuals with RYR3-related conditions. This variant is not present in population databases (ExAC no frequency). This sequence change replaces aspartic acid with glutamic acid at codon 1741 of the RYR3 protein (p.Asp1741Glu). The aspartic acid residue is highly conserved and there is a small physicochemical difference between aspartic acid and glutamic acid.

NM_001036.6(RYR3):c.5223T>A (p.Asp1741Glu)

Gene: RYR3 (ryanodine receptor 3; plus strand). Cytogenetic location: 15q14.
Variant type: single nucleotide variant.
Coding change: c.5223T>A on transcript NM_001036.6 (MANE Select); coding-DNA position 5223, T replaced by A.
Protein change: p.Asp1741Glu; replaces aspartic acid 1741 with glutamic acid.
Molecular consequence: missense variant.
Genome position (GRCh38, 1-based): chr15:33,662,753, T>A. VCF-style: chr15-33662753-T-A. GRCh37 (hg19) VCF-style: chr15-33954954-T-A.
Other names: c.5223T>A, p.Asp1741Glu (NM_001243996.4); short protein forms D1741E.
Identifiers: ClinVar variation 1039680 (VCV001039680.8), dbSNP rs902077377, ClinGen allele CA268543158.